The following is an entry in ClinVar:

NM_000080.4(CHRNE):c.1018C>T (p.Pro340Ser)

Gene: CHRNE (cholinergic receptor nicotinic epsilon subunit; minus strand). Cytogenetic location: 17p13.2.
Variant type: single nucleotide variant.
Coding change: c.1018C>T on transcript NM_000080.4 (MANE Select); coding-DNA position 1018, C replaced by T.
Protein change: p.Pro340Ser; replaces proline 340 with serine.
Molecular consequence: missense variant.
Genome position (GRCh38, 1-based): chr17:4,899,482, G>A on the plus strand (C>T on the coding strand, the complement: CHRNE is on the minus strand). VCF-style: chr17-4899482-G-A. GRCh37 (hg19) VCF-style: chr17-4802777-G-A.
Other names: short protein forms P340S.
Identifiers: ClinVar variation 961284 (VCV000961284.9), dbSNP rs1019584942, ClinGen allele CA287180610.

ClinVar aggregate classification (germline): Uncertain significance. Review status: criteria provided, multiple submitters, no conflicts (2 of 4 stars). 3 submissions from 3 submitters: Uncertain significance (2). 1 of the submissions does not count toward it. Last evaluated 2026-01-26.

Conditions:
Congenital myasthenic syndrome (CMS). Also called: Congenital Myasthenic Syndromes. Identifiers: Orphanet 590, MedGen C0751882, MeSH D020294, MONDO:0018940.
Congenital myasthenic syndrome 4A. Also called: MYASTHENIC SYNDROME, CONGENITAL, 4A, SLOW-CHANNEL, AUTOSOMAL RECESSIVE; Myasthenic syndrome, congenital, 4a, slow-channel; CONGENITAL MYASTHENIC SYNDROME TYPE Ia1. Identifiers: Orphanet 590, MedGen C4225413, MONDO:0011600, OMIM 605809.
Congenital myasthenic syndrome 4C (CMS4C). Also called: Myasthenic syndrome, congenital, associated with acetylcholine receptor deficiency. Identifiers: Orphanet 590, MedGen C1837091, MONDO:0012157, OMIM 608931.
Congenital myasthenic syndrome 4B. Also called: Myasthenic syndrome, congenital, 4b, fast-channel. Identifiers: Orphanet 590, MedGen C4225369, MONDO:0014586, OMIM 616324.

Allele frequency attached by ClinVar (database versions not stated): gnomAD exomes below 0.00001 and 0.00001; gnomAD 0.00001; TOPMed 0.00001.
gnomAD v4.1: 11 of 1,598,110 alleles (0.00069%); highest among the groups gnomAD compares: Middle Eastern, 0.035%; no homozygotes.

Submissions (3):

Labcorp Genetics (formerly Invitae), Labcorp
Classification: Uncertain significance for Congenital myasthenic syndrome 4A. Last evaluated: 2026-01-26. Review status: criteria provided, single submitter. Criteria: Invitae Variant Classification Sherloc (09022015). Collection method: clinical testing. Allele origin: germline.
Comment: This sequence change replaces proline, which is neutral and non-polar, with serine, which is neutral and polar, at codon 340 of the CHRNE protein (p.Pro340Ser). The frequency data for this variant in the population databases is considered unreliable, as metrics indicate poor data quality at this position in the gnomAD database. This variant has not been reported in the literature in individuals affected with CHRNE-related conditions. ClinVar contains an entry for this variant (Variation ID: 961284). Invitae Evidence Modeling of protein sequence and biophysical properties (such as structural, functional, and spatial information, amino acid conservation, physicochemical variation, residue mobility, and thermodynamic stability) indicates that this missense variant is not expected to disrupt CHRNE protein function with a negative predictive value of 95%. In summary, the available evidence is currently insufficient to determine the role of this variant in disease. Therefore, it has been classified as a Variant of Uncertain Significance.

Fulgent Genetics
Classification: Uncertain significance for Congenital myasthenic syndrome 4A; Congenital myasthenic syndrome 4C; Congenital myasthenic syndrome 4B. Last evaluated: 2021-07-06. Review status: criteria provided, single submitter. Criteria: ACMG Guidelines, 2015. Collection method: clinical testing. Allele origin: unknown.

Natera, Inc.
Classification: Uncertain significance for Congenital myasthenic syndrome. Last evaluated: 2021-06-29. Review status: no assertion criteria provided. Collection method: clinical testing. Allele origin: germline. Not counted in ClinVar's aggregate classification.